The following is an entry in ClinVar:

ClinVar aggregate classification (germline): Uncertain significance (1 of 4 stars; one submission).

Conditions:
Cardiovascular phenotype. Identifiers: MedGen CN230736.

Allele frequency attached by ClinVar (database versions not stated): TOPMed 0.00001.

Submission:

Ambry Genetics
Classification: Uncertain significance for Cardiovascular phenotype. Last evaluated: 2023-10-10. Review status: criteria provided, single submitter. Criteria: Ambry Variant Classification Scheme 2023. Collection method: clinical testing. Allele origin: germline.
Comment: The p.T2551R variant (also known as c.7652C>G), located in coding exon 38 of the ANK2 gene, results from a C to G substitution at nucleotide position 7652. The threonine at codon 2551 is replaced by arginine, an amino acid with similar properties. This amino acid position is conserved. In addition, the in silico prediction for this alteration is inconclusive. Since supporting evidence is limited at this time, the clinical significance of this alteration remains unclear.

NM_001148.6(ANK2):c.7652C>G (p.Thr2551Arg)

Genes: ANK2 (ankyrin 2; plus strand), LOC126807137 (CDK7 strongly-dependent group 2 enhancer GRCh37_chr4:114276560-114277759; plus strand). Cytogenetic location: 4q26.
Variant type: single nucleotide variant.
Coding change: c.7652C>G on transcript NM_001148.6 (MANE Select); coding-DNA position 7652, C replaced by G.
Protein change: p.Thr2551Arg; replaces threonine 2551 with arginine.
Molecular consequence: missense variant. On other transcripts: intron variant (68).
Genome position (GRCh38, 1-based): chr4:113,356,270, C>G. VCF-style: chr4-113356270-C-G. GRCh37 (hg19) VCF-style: chr4-114277426-C-G.
Other names: c.7418C>G, p.Thr2473Arg (NM_001386142.1); c.4052C>G, p.Thr1351Arg (NM_001386166.1); c.7793C>G, p.Thr2598Arg (NM_001386174.1); c.7769C>G, p.Thr2590Arg (NM_001386175.1); c.4412-4553C>G (NM_001386186.2, NM_001386148.2); c.4214-4553C>G (NM_001354269.3); c.4292-4553C>G (NM_001386187.2); c.4253-4553C>G (NM_001386147.1); and 35 more; short protein forms T1351R, T2473R, T2551R, T2590R, T2598R.
Identifiers: ClinVar variation 3220999 (VCV003220999.1), dbSNP rs1331693301, ClinGen allele CA357931269.